The following is an entry in ClinVar:

NM_020433.5(JPH2):c.1578G>A (p.Pro526=)

Gene: JPH2 (junctophilin 2; minus strand). Cytogenetic location: 20q13.12.
Variant type: single nucleotide variant.
Coding change: c.1578G>A on transcript NM_020433.5 (MANE Select); coding-DNA position 1578, G replaced by A.
Protein change: p.Pro526=; no amino-acid change (proline 526 retained).
Molecular consequence: synonymous variant.
Genome position (GRCh38, 1-based): chr20:44,116,097, C>T on the plus strand (G>A on the coding strand, the complement: JPH2 is on the minus strand). VCF-style: chr20-44116097-C-T. GRCh37 (hg19) VCF-style: chr20-42744737-C-T.
Identifiers: ClinVar variation 4076501 (VCV004076501.2), dbSNP rs1425684614.
Genomic context (GRCh38, chr20:44,116,097, plus strand): 5'-CTCGATGGCCATGCGCTCGGTGGCTGGACGCGCGGGGCTGCGGCGGCCCGCGCCCTCGGA[C>T]GGAGTGACTGACCGGCTGCCCTCACCGCTGGGCTCGCCGTTCCAGGCGCCTGGGCTCAGC-3'
Protein context (NP_065166.2, residues 516-536): PSGEGSRSVT[Pro526=]SEGAGRRSPA

ClinVar aggregate classification (germline): Likely benign. Review status: criteria provided, multiple submitters, no conflicts (2 of 4 stars). 2 submissions from 2 submitters: Likely benign (2). Last evaluated 2025-11-21.

Conditions:
Hypertrophic cardiomyopathy. Also called: HYPERTROPHIC MYOCARDIOPATHY. Identifiers: Orphanet 217569, MedGen C0007194, MeSH D002312, MONDO:0005045, HP:0001639.

gnomAD v4.1: 4 of 1,499,762 alleles (0.00027%); highest among the groups gnomAD compares: East Asian, 0.0026%; no homozygotes.

Submissions (2):

Labcorp Genetics (formerly Invitae), Labcorp
Classification: Likely benign for Hypertrophic cardiomyopathy. Last evaluated: 2025-11-21. Review status: criteria provided, single submitter. Criteria: Invitae Variant Classification Sherloc (09022015). Collection method: clinical testing. Allele origin: germline.

Molecular Diagnostic Laboratory for Inherited Cardiovascular Disease, Montreal Heart Institute
Classification: Likely benign. Last evaluated: 2025-07-24. Review status: criteria provided, single submitter. Criteria: ACMG Guidelines, 2015. Collection method: clinical testing. Allele origin: germline. Affected: no.
Comment: BP7